The following is an entry in ClinVar:

NM_000639.3(FASLG):c.364C>A (p.His122Asn)

Gene: FASLG (Fas ligand; plus strand). Cytogenetic location: 1q24.3.
Variant type: single nucleotide variant.
Coding change: c.364C>A on transcript NM_000639.3 (MANE Select); coding-DNA position 364, C replaced by A.
Protein change: p.His122Asn; replaces histidine 122 with asparagine.
Molecular consequence: missense variant. On other transcripts: intron variant (1).
Genome position (GRCh38, 1-based): chr1:172,660,110, C>A. VCF-style: chr1-172660110-C-A. GRCh37 (hg19) VCF-style: chr1-172629250-C-A.
Other names: c.348+561C>A (NM_001302746.2); short protein forms H122N.
Identifiers: ClinVar variation 293736 (VCV000293736.13), dbSNP rs140406512, ClinGen allele CA1247528.

ClinVar aggregate classification (germline): Conflicting classifications of pathogenicity. Review status: criteria provided, conflicting classifications (1 of 4 stars). 5 submissions from 5 submitters: Uncertain significance (2); Benign (1); Likely benign (1). 1 of the submissions does not count toward it. Last evaluated 2024-11-11.

Conditions:
FASLG-related disorder. Also called: FASLG-related condition.
Autoimmune lymphoproliferative syndrome type 1. Also called: AUTOIMMUNE LYMPHOPROLIFERATIVE SYNDROME, TYPE I, AUTOSOMAL DOMINANT. Identifiers: Orphanet 3261, MedGen C2717884, MONDO:0011158, OMIM 601859.

Allele frequency attached by ClinVar (database versions not stated): ESP Exome Variant Server 0.00069; 1000 Genomes Project 30x 0.00016; 1000 Genomes Project 0.00020; TOPMed 0.00032; gnomAD 0.00033 and 0.00034.

Submissions (5):

Blueprint Genetics
Classification: Likely benign. Last evaluated: 2024-11-11. Review status: criteria provided, single submitter. Criteria: ACMG Guidelines, 2015. Collection method: clinical testing. Allele origin: germline.

Labcorp Genetics (formerly Invitae), Labcorp
Classification: Uncertain significance for Autoimmune lymphoproliferative syndrome. Last evaluated: 2022-08-31. Review status: criteria provided, single submitter. Criteria: Invitae Variant Classification Sherloc (09022015). Collection method: clinical testing. Allele origin: germline.
Comment: This sequence change replaces histidine, which is basic and polar, with asparagine, which is neutral and polar, at codon 122 of the FASLG protein (p.His122Asn). This variant is present in population databases (rs140406512, gnomAD 0.06%). This variant has not been reported in the literature in individuals affected with FASLG-related conditions. ClinVar contains an entry for this variant (Variation ID: 293736). Algorithms developed to predict the effect of missense changes on protein structure and function (SIFT, PolyPhen-2, Align-GVGD) all suggest that this variant is likely to be tolerated. In summary, the available evidence is currently insufficient to determine the role of this variant in disease. Therefore, it has been classified as a Variant of Uncertain Significance.

Ambry Genetics
Classification: Uncertain significance. Last evaluated: 2021-09-17. Review status: criteria provided, single submitter. Criteria: Ambry Variant Classification Scheme 2023. Collection method: clinical testing. Allele origin: germline.

Illumina Laboratory Services, Illumina
Classification: Benign for Autoimmune lymphoproliferative syndrome type 1. Last evaluated: 2018-01-12. Review status: criteria provided, single submitter. Criteria: ICSL Variant Classification Criteria 13 December 2019. Collection method: clinical testing. Allele origin: germline.
Comment: This variant was observed in the ICSL laboratory as part of a predisposition screen in an ostensibly healthy population. It had not been previously curated by ICSL or reported in the Human Gene Mutation Database (HGMD: prior to June 1st, 2018), and was therefore a candidate for classification through an automated scoring system. Utilizing variant allele frequency, disease prevalence and penetrance estimates, and inheritance mode, an automated score was calculated to assess if this variant is too frequent to cause the disease. Based on the score and internal cut-off values, a variant classified as benign is not then subjected to further curation. The score for this variant resulted in a classification of benign for this disease.

PreventionGenetics, part of Exact Sciences
Classification: Likely benign for FASLG-related condition. Last evaluated: 2024-07-31. Review status: no assertion criteria provided. Collection method: clinical testing. Allele origin: germline. Not counted in ClinVar's aggregate classification.
Comment: This variant is classified as likely benign based on ACMG/AMP sequence variant interpretation guidelines (Richards et al. 2015 PMID: 25741868, with internal and published modifications).